The following is an entry in ClinVar:

ClinVar aggregate classification (germline): Uncertain significance (1 of 4 stars; one submission).

Conditions:
Cognitive impairment - coarse facies - heart defects - obesity - pulmonary involvement - short stature - skeletal dysplasia syndrome. Also called: COGNITIVE IMPAIRMENT, COARSE FACIES, HEART DEFECTS, OBESITY, PULMONARY INVOLVEMENT, SHORT STATURE, AND SKELETAL DYSPLASIA; Chops syndrome; AFF4-Related CHOPS Syndrome. Identifiers: Orphanet 444077, MedGen C4085597, MONDO:0014609, OMIM 616368.

Submission:

Labcorp Genetics (formerly Invitae), Labcorp
Classification: Uncertain significance for Cognitive impairment - coarse facies - heart defects - obesity - pulmonary involvement - short stature - skeletal dysplasia syndrome. Last evaluated: 2024-07-12. Review status: criteria provided, single submitter. Criteria: Invitae Variant Classification Sherloc (09022015). Collection method: clinical testing. Allele origin: germline.
Comment: This sequence change replaces valine, which is neutral and non-polar, with methionine, which is neutral and non-polar, at codon 681 of the AFF4 protein (p.Val681Met). This variant is not present in population databases (gnomAD no frequency). This variant has not been reported in the literature in individuals affected with AFF4-related conditions. Advanced modeling of protein sequence and biophysical properties (such as structural, functional, and spatial information, amino acid conservation, physicochemical variation, residue mobility, and thermodynamic stability) performed at Invitae indicates that this missense variant is not expected to disrupt AFF4 protein function with a negative predictive value of 80%. In summary, the available evidence is currently insufficient to determine the role of this variant in disease. Therefore, it has been classified as a Variant of Uncertain Significance.

NM_014423.4(AFF4):c.2041G>A (p.Val681Met)

Gene: AFF4 (ALF transcription elongation factor 4; minus strand). Cytogenetic location: 5q31.1.
Variant type: single nucleotide variant.
Coding change: c.2041G>A on transcript NM_014423.4 (MANE Select); coding-DNA position 2041, G replaced by A.
Protein change: p.Val681Met; replaces valine 681 with methionine.
Molecular consequence: missense variant.
Genome position (GRCh38, 1-based): chr5:132,896,589, C>T on the plus strand (G>A on the coding strand, the complement: AFF4 is on the minus strand). VCF-style: chr5-132896589-C-T. GRCh37 (hg19) VCF-style: chr5-132232281-C-T.
Other names: short protein forms V681M.
Identifiers: ClinVar variation 3669011 (VCV003669011.2).